The following is an entry in ClinVar:

NM_003194.5(TBP):c.231_234del (p.Gln77fs)

Genes: TBP (TATA-box binding protein; plus strand), LOC108663996 (TATA-box binding protein repeat instability region; plus strand). Cytogenetic location: 6q27.
Variant type: Deletion.
Coding change: c.231_234del on transcript NM_003194.5 (MANE Select); coding-DNA positions 231 to 234, 4 bases deleted (GCAG; older notation c.231_234delGCAG).
Protein change: p.Gln77fs; shifts the reading frame from glutamine 77.
Molecular consequence: frameshift variant.
Genome position (GRCh38, 1-based): chr6:170,561,967-170,561,970, GCAG deleted. VCF-style (leftmost placement, unchanged base first): chr6-170561966-AGCAG-A. GRCh37 (hg19) VCF-style: chr6-170871054-AGCAG-A.
Other names: p.Gln77Hisfs*66; c.171_174del, p.Gln57fs (NM_001172085.2); short protein forms Q57fs, Q77fs.
Identifiers: ClinVar variation 4683243 (VCV004683243.1).

ClinVar aggregate classification (germline): Benign (1 of 4 stars; one submission).

Submission:

Mayo Clinic Laboratories, Mayo Clinic
Classification: Benign. Last evaluated: 2022-12-27. Review status: criteria provided, single submitter. Criteria: ACMG Guidelines, 2015. Collection method: clinical testing. Allele origin: germline. Observed: 106 variant alleles.
Comment: BA1